The following is an entry in ClinVar:

NM_002439.5(MSH3):c.449G>A (p.Arg150Lys)

Gene: MSH3 (mutS homolog 3; plus strand). Cytogenetic location: 5q14.1.
Variant type: single nucleotide variant.
Coding change: c.449G>A on transcript NM_002439.5 (MANE Select); coding-DNA position 449, G replaced by A.
Protein change: p.Arg150Lys; replaces arginine 150 with lysine.
Molecular consequence: missense variant.
Genome position (GRCh38, 1-based): chr5:80,665,233, G>A. VCF-style: chr5-80665233-G-A. GRCh37 (hg19) VCF-style: chr5-79961052-G-A.
Other names: c.449G>A (NM_002439.3); short protein forms R150K.
Identifiers: ClinVar variation 1007394 (VCV001007394.11), dbSNP rs1247673673, ClinGen allele CA360263485.

ClinVar aggregate classification (germline): Uncertain significance. Review status: criteria provided, multiple submitters, no conflicts (2 of 4 stars). 2 submissions from 2 submitters: Uncertain significance (2). Last evaluated 2025-05-11.

Conditions:
Hereditary cancer-predisposing syndrome. Also called: Tumor predisposition; Hereditary neoplastic syndrome; Neoplastic Syndromes, Hereditary; Hereditary Cancer Syndrome. Identifiers: Orphanet 140162, MedGen C0027672, MeSH D009386, MONDO:0015356.

Allele frequency attached by ClinVar (database versions not stated): gnomAD exomes below 0.00001; gnomAD 0.00001 and 0.00002.
gnomAD v4.1: 8 of 1,613,986 alleles (0.0005%); highest among the groups gnomAD compares: East Asian, 0.0045%; no homozygotes.

Submissions (2):

Labcorp Genetics (formerly Invitae), Labcorp
Classification: Uncertain significance. Last evaluated: 2025-05-11. Review status: criteria provided, single submitter. Criteria: Invitae Variant Classification Sherloc (09022015). Collection method: clinical testing. Allele origin: germline.
Comment: This sequence change replaces arginine, which is basic and polar, with lysine, which is basic and polar, at codon 150 of the MSH3 protein (p.Arg150Lys). This variant is present in population databases (no rsID available, gnomAD 0.02%). This variant has not been reported in the literature in individuals affected with MSH3-related conditions. ClinVar contains an entry for this variant (Variation ID: 1007394). An algorithm developed to predict the effect of missense changes on protein structure and function (PolyPhen-2) suggests that this variant is likely to be tolerated. In summary, the available evidence is currently insufficient to determine the role of this variant in disease. Therefore, it has been classified as a Variant of Uncertain Significance.

Ambry Genetics
Classification: Uncertain significance for Hereditary cancer-predisposing syndrome. Last evaluated: 2025-01-31. Review status: criteria provided, single submitter. Criteria: Ambry Variant Classification Scheme 2023. Collection method: clinical testing. Allele origin: germline.
Comment: The p.R150K variant (also known as c.449G>A), located in coding exon 3 of the MSH3 gene, results from a G to A substitution at nucleotide position 449. The arginine at codon 150 is replaced by lysine, an amino acid with highly similar properties. This amino acid position is well conserved in available vertebrate species. In addition, the in silico prediction for this alteration is inconclusive. Based on the available evidence, the clinical significance of this variant remains unclear.